The following is an entry in ClinVar:

NM_006514.4(SCN10A):c.2448C>G (p.Asn816Lys)

Gene: SCN10A (sodium voltage-gated channel alpha subunit 10; minus strand). Cytogenetic location: 3p22.2.
Variant type: single nucleotide variant.
Coding change: c.2448C>G on transcript NM_006514.4 (MANE Select); coding-DNA position 2448, C replaced by G.
Protein change: p.Asn816Lys; replaces asparagine 816 with lysine.
Molecular consequence: missense variant.
Genome position (GRCh38, 1-based): chr3:38,728,734, G>C on the plus strand (C>G on the coding strand, the complement: SCN10A is on the minus strand). VCF-style: chr3-38728734-G-C. GRCh37 (hg19) VCF-style: chr3-38770225-G-C.
Other names: c.2448C>G, p.Asn816Lys (NM_001293306.2); c.2154C>G, p.Asn718Lys (NM_001293307.2); short protein forms N816K, N718K.
Identifiers: ClinVar variation 3438141 (VCV003438141.1).

ClinVar aggregate classification (germline): Uncertain significance (1 of 4 stars; one submission).

Conditions:
Cardiovascular phenotype. Identifiers: MedGen CN230736.

Submission:

Ambry Genetics
Classification: Uncertain significance for Cardiovascular phenotype. Last evaluated: 2024-10-28. Review status: criteria provided, single submitter. Criteria: Ambry Variant Classification Scheme 2023. Collection method: clinical testing. Allele origin: germline.
Comment: The p.N816K variant (also known as c.2448C>G), located in coding exon 15 of the SCN10A gene, results from a C to G substitution at nucleotide position 2448. The asparagine at codon 816 is replaced by lysine, an amino acid with similar properties. This amino acid position is conserved. In addition, this alteration is predicted to be tolerated by in silico analysis. Based on the available evidence, the clinical significance of this variant remains unclear.